The following is an entry in ClinVar:

NM_001378615.1(CC2D2A):c.3297del (p.Arg1100fs)

Genes: CC2D2A (coiled-coil and C2 domain containing 2A; plus strand), FBXL5 (F-box and leucine rich repeat protein 5; minus strand). Cytogenetic location: 4p15.32.
Variant type: Deletion.
Coding change: c.3297del on transcript NM_001378615.1 (MANE Select); coding-DNA position 3297, one base deleted (A; older notation c.3297delA).
Protein change: p.Arg1100fs; shifts the reading frame from arginine 1100.
Molecular consequence: frameshift variant.
Genome position (GRCh38, 1-based): chr4:15,567,685, A deleted. VCF-style (leftmost placement, unchanged base first): chr4-15567684-TA-T. GRCh37 (hg19) VCF-style: chr4-15569307-TA-T.
Other names: c.3297del, p.Arg1100fs (NM_001080522.2); c.3150del, p.Arg1051fs (NM_001378617.1); short protein forms R1051fs, R1100fs.
Identifiers: ClinVar variation 5013391 (VCV005013391.1).
Genomic context (GRCh38, chr4:15,567,684, plus strand): 5'-ATAAAATAATTTGACTAACCATTGGGAACTCAGAATTTGCTCTTGATTTTAAGGTTTTAG[TA>T]CGTCCCTTTGTAGAAGTCTCTTTTCAACGAACAGTTTGCCATACGACTACGGCTGAAGGA-3'

ClinVar aggregate classification (germline): Pathogenic (1 of 4 stars; one submission).

Conditions:
Joubert syndrome and related disorders. Identifiers: Orphanet 140874, MedGen C5679612, MONDO:0015369.

Submission:

Myriad Genetics, Inc.
Classification: Pathogenic for Joubert syndrome and related disorders. Last evaluated: 2024-07-31. Review status: criteria provided, single submitter. Criteria: Myriad Autosomal Dominant, Autosomal Recessive and X-Linked Classification Criteria (2023). Collection method: clinical testing. Allele origin: unknown.
Comment: NM_001080522.2(CC2D2A):c.3297delA(R1100Vfs*4) is expected to be pathogenic in the context of CC2D2A-related disorders. This variant is predicted to lead to an abnormal or absent protein product due to the creation of a premature termination codon in CC2D2A, a gene where loss-of-function variants are known to be pathogenic. Please note: this variant was assessed in the context of healthy population screening.